The following is an entry in ClinVar:

NM_001267550.2(TTN):c.54818C>T (p.Pro18273Leu)

Genes: TTN (titin; minus strand), TTN-AS1 (TTN antisense RNA 1; plus strand). Cytogenetic location: 2q31.2.
Variant type: single nucleotide variant.
Coding change: c.54818C>T on transcript NM_001267550.2 (MANE Select); coding-DNA position 54818, C replaced by T.
Protein change: p.Pro18273Leu; replaces proline 18273 with leucine.
Molecular consequence: missense variant.
Genome position (GRCh38, 1-based): chr2:178,602,584, G>A on the plus strand (C>T on the coding strand, the complement: TTN is on the minus strand). VCF-style: chr2-178602584-G-A. GRCh37 (hg19) VCF-style: chr2-179467311-G-A.
Other names: p.P16632L:CCG>CTG; c.49895C>T, p.Pro16632Leu (NM_001256850.1); c.47114C>T, p.Pro15705Leu (NM_133378.4); c.27623C>T, p.Pro9208Leu (NM_003319.4); c.27998C>T, p.Pro9333Leu (NM_133432.3); c.28199C>T, p.Pro9400Leu (NM_133437.4); c.54818C>T (NM_001267550.1); short protein forms P18273L, P15705L, P16632L, P9208L, P9400L, P9333L.
Identifiers: ClinVar variation 47097 (VCV000047097.53), dbSNP rs201035511, ClinGen allele CA139999.
Genomic context (GRCh38, chr2:178,602,584, plus strand): 5'-CATCCTAGTGAGATGCTTGACTTCGTTTTATCTTTAACTTCTGGGCAAGAAGGTGGCCCC[G>A]GTGGAACTAATAACAAAAGAAAAAAAAAAGCTTCATCAGATTTTGAAGCTGATGAAGTGC-3'
Protein context (NP_001254479.2, residues 18263-18283): PEVAGDPIFP[Pro18273Leu]GPPSCPEVKD

ClinVar aggregate classification (germline): Conflicting classifications of pathogenicity. Review status: criteria provided, conflicting classifications (1 of 4 stars). 19 submissions from 15 submitters: Uncertain significance (8); Benign (2); Likely benign (9). Last evaluated 2026-03-01.

Conditions:
TTN-related disorder. Also called: TTN-related condition; TTN-related disease; TTN-related disorders.
Cardiovascular phenotype. Identifiers: MedGen CN230736.
Dilated cardiomyopathy 1G (CMD1G). Identifiers: Orphanet 154, MedGen C1858763, MONDO:0011400, OMIM 604145.
Autosomal recessive limb-girdle muscular dystrophy type 2J (LGMDR10). Also called: Limb-girdle muscular dystrophy, type 2J; MUSCULAR DYSTROPHY, LIMB-GIRDLE, AUTOSOMAL RECESSIVE 10. Identifiers: Orphanet 140922, MedGen C1837342, MONDO:0012127, OMIM 608807.
Cardiomyopathy (CMYO). Also called: Cardiomyopathies. Identifiers: Orphanet 167848, MedGen C0878544, MONDO:0004994, HP:0001638. Inheritance: Various modes of inheritance.
Early-onset myopathy with fatal cardiomyopathy (CMYO5). Also called: Salih Myopathy; CONGENITAL MYOPATHY 5 WITH CARDIOMYOPATHY. Identifiers: Orphanet 289377, MedGen C2673677, MONDO:0012714, OMIM 611705. Disease mechanism: loss of function.
Myopathy, myofibrillar, 9, with early respiratory failure (MFM9). Also called: Hereditary myopathy with early respiratory failure; Myopathy, distal, with early respiratory failure, autosomal dominant; EDSTROM MYOPATHY; MYOPATHY, PROXIMAL, WITH EARLY RESPIRATORY MUSCLE INVOLVEMENT. Identifiers: Orphanet 178464, Orphanet 34521, MedGen C1863599, MONDO:0011362, OMIM 603689.
Tibial muscular dystrophy (TMD). Also called: Udd Distal Myopathy – Tibial Muscular Dystrophy; Tibial muscular dystrophy, tardive; UDD MYOPATHY. Identifiers: Orphanet 609, MedGen C1838244, MONDO:0010870, OMIM 600334.

Allele frequency attached by ClinVar (database versions not stated): gnomAD exomes 0.00041; TOPMed 0.00043; gnomAD 0.00049 and 0.00052; ExAC 0.00051; ESP Exome Variant Server 0.00060.
gnomAD v4.1: 947 of 1,503,086 alleles (0.063%); highest among the groups gnomAD compares: Non-Finnish European, 0.078%; 2 homozygotes.

Submissions (19):

CeGaT Center for Human Genetics Tuebingen
Classification: Uncertain significance. Last evaluated: 2026-03-01. Review status: criteria provided, single submitter. Criteria: CeGaT Center For Human Genetics Tuebingen Variant Classification Criteria Version 2. Collection method: clinical testing. Allele origin: germline. Affected: yes. Observed: 4 variant alleles.

Labcorp Genetics (formerly Invitae), Labcorp
Classification: Likely benign for Dilated cardiomyopathy 1G; Autosomal recessive limb-girdle muscular dystrophy type 2J. Last evaluated: 2026-02-01. Review status: criteria provided, single submitter. Criteria: Invitae Variant Classification Sherloc (09022015). Collection method: clinical testing. Allele origin: germline.

PreventionGenetics, part of Exact Sciences
Classification: Likely benign for TTN-related condition. Last evaluated: 2025-11-26. Review status: criteria provided, single submitter. Criteria: ACMG Guidelines, 2015. Collection method: clinical testing. Allele origin: germline.
Comment: This variant is classified as likely benign based on ACMG/AMP sequence variant interpretation guidelines (Richards et al. 2015 PMID: 25741868, with internal and published modifications).

Molecular Diagnostic Laboratory for Inherited Cardiovascular Disease, Montreal Heart Institute
Classification: Likely benign. Last evaluated: 2025-04-09. Review status: criteria provided, single submitter. Criteria: ACMG Guidelines, 2015. Collection method: clinical testing. Allele origin: germline. Affected: no.

Athena Diagnostics
Classification: Uncertain significance. Last evaluated: 2025-03-14. Review status: criteria provided, single submitter. Criteria: Athena Diagnostics Criteria. Collection method: clinical testing. Allele origin: unknown.
Comment: Available data are insufficient to determine the clinical significance of the variant at this time. The frequency of this variant in the general population is higher than would generally be expected for pathogenic variants in this gene. In some published literature, this variant is referred to as c.47114C>T, (p.Pro15705Leu). Polyphen and MutationTaster yielded discordant predictions regarding whether this amino acid change is damaging to the protein.

Mayo Clinic Laboratories, Mayo Clinic
Classification: Uncertain significance. Last evaluated: 2025-02-07. Review status: criteria provided, single submitter. Criteria: ACMG Guidelines, 2015. Collection method: clinical testing. Allele origin: germline. Observed: 2 variant alleles.
Comment: PP3

Women's Health and Genetics/Laboratory Corporation of America, LabCorp
Classification: Likely benign. Last evaluated: 2025-02-03. Review status: criteria provided, single submitter. Criteria: LabCorp Variant Classification Summary - May 2015. Collection method: clinical testing. Allele origin: germline.
Comment: Variant summary: TTN c.47114C>T (p.Pro15705Leu) results in a non-conservative amino acid change in the encoded protein sequence. Four of four in-silico tools predict a damaging effect of the variant on protein function. The variant allele was found at a frequency of 0.00041 in 124118 control chromosomes, predominantly at a frequency of 0.00079 within the Non-Finnish European subpopulation in the gnomAD database. The observed variant frequency within Non-Finnish European control individuals in the gnomAD database is approximately 2.022 fold of the estimated maximal expected allele frequency for a pathogenic variant in TTN causing Dilated Cardiomyopathy phenotype (0.00039). c.47114C>T has been reported in the literature in heterozygous or multiply heterozygous state(s) in multiple individuals affected with clinical features of TTN-related cardiac conditions, without strong evidence for causality (example, van Lint_2019, Maltese_2019, Merc_2024). These report(s) do not provide unequivocal conclusions about association of the variant with TTN-related conditions. To our knowledge, no experimental evidence demonstrating an impact on protein function has been reported. The following publications have been ascertained in the context of this evaluation (PMID: 31539150, 30847666, 38813989). ClinVar contains an entry for this variant (Variation ID: 47097). Based on the evidence outlined above, the variant was classified as likely benign.

Blueprint Genetics
Classification: Likely benign. Last evaluated: 2024-11-25. Review status: criteria provided, single submitter. Criteria: ACMG Guidelines, 2015. Collection method: clinical testing. Allele origin: germline.

CHEO Genetics Diagnostic Laboratory, Children's Hospital of Eastern Ontario
Classification: Likely benign for Cardiomyopathy. Last evaluated: 2023-04-19. Review status: criteria provided, single submitter. Criteria: ACMG Guidelines, 2015. Collection method: clinical testing. Allele origin: germline.

Ambry Genetics
Classification: Likely benign for Cardiovascular phenotype. Last evaluated: 2018-11-02. Review status: criteria provided, single submitter. Criteria: Ambry Variant Classification Scheme 2023. Collection method: clinical testing. Allele origin: germline.

Illumina Laboratory Services, Illumina
Classification: Benign for Myopathy, myofibrillar, 9, with early respiratory failure. Last evaluated: 2018-01-13. Review status: criteria provided, single submitter. Criteria: ICSL Variant Classification Criteria 13 December 2019. Collection method: clinical testing. Allele origin: germline.
Comment: This variant was observed in the ICSL laboratory as part of a predisposition screen in an ostensibly healthy population. It had not been previously curated by ICSL or reported in the Human Gene Mutation Database (HGMD: prior to June 1st, 2018), and was therefore a candidate for classification through an automated scoring system. Utilizing variant allele frequency, disease prevalence and penetrance estimates, and inheritance mode, an automated score was calculated to assess if this variant is too frequent to cause the disease. Based on the score and internal cut-off values, a variant classified as benign is not then subjected to further curation. The score for this variant resulted in a classification of benign for this disease.

Illumina Laboratory Services, Illumina
Classification: Uncertain significance for Dilated cardiomyopathy 1G. Last evaluated: 2018-01-13. Review status: criteria provided, single submitter. Criteria: ICSL Variant Classification Criteria 13 December 2019. Collection method: clinical testing. Allele origin: germline.

Illumina Laboratory Services, Illumina
Classification: Benign for Tibial muscular dystrophy. Last evaluated: 2018-01-13. Review status: criteria provided, single submitter. Criteria: ICSL Variant Classification Criteria 13 December 2019. Collection method: clinical testing. Allele origin: germline.
Comment: the same text as in the submission from Illumina Laboratory Services, Illumina above.

Illumina Laboratory Services, Illumina
Classification: Uncertain significance for Early-onset myopathy with fatal cardiomyopathy. Last evaluated: 2018-01-13. Review status: criteria provided, single submitter. Criteria: ICSL Variant Classification Criteria 13 December 2019. Collection method: clinical testing. Allele origin: germline.

Illumina Laboratory Services, Illumina
Classification: Uncertain significance for Autosomal recessive limb-girdle muscular dystrophy type 2J. Last evaluated: 2018-01-13. Review status: criteria provided, single submitter. Criteria: ICSL Variant Classification Criteria 13 December 2019. Collection method: clinical testing. Allele origin: germline.

GeneDx
Classification: Likely benign. Last evaluated: 2017-10-26. Review status: criteria provided, single submitter. Criteria: GeneDx Variant Classification (06012015). Collection method: clinical testing. Allele origin: germline. Affected: yes.
Comment: This variant is considered likely benign or benign based on one or more of the following criteria: it is a conservative change, it occurs at a poorly conserved position in the protein, it is predicted to be benign by multiple in silico algorithms, and/or has population frequency not consistent with disease.

Eurofins Ntd Llc (ga)
Classification: Uncertain significance. Last evaluated: 2016-04-06. Review status: criteria provided, single submitter. Criteria: EGL Classification Definitions 2015. Collection method: clinical testing. Allele origin: germline. Observed: 6 variant alleles, 5 heterozygotes.

Laboratory for Molecular Medicine, Mass General Brigham Personalized Medicine
Classification: Uncertain significance. Last evaluated: 2015-05-20. Review status: criteria provided, single submitter. Criteria: LMM Criteria. Collection method: clinical testing. Allele origin: germline. Observed: 2 variant alleles.
Comment: Variant classified as Uncertain Significance - Favor Benign. This variant has been i dentified in 0.1% (16/16210) of European chromosomes by the Exome Aggregation Co nsortium (ExAC; dbSNP rs201035511). Computationa l prediction tools and conservation analysis suggest that the p.Pro15705Leu vari ant may impact the protein, though this information is not predictive enough to determine pathogenicity. In summary, while the clinical significance of the p.Pr o15705Leu variant is uncertain, its frequency suggests that it is more likely to be benign.

Biesecker Lab/Clinical Genomics Section, National Institutes of Health
Classification: Likely benign. Last evaluated: 2013-06-24. Review status: criteria provided, single submitter. Criteria: Ng et al. (Circ Cardiovasc Genet. 2013). Collection method: research. Allele origin: unknown. Observed: 2 variant alleles. Study: ClinSeq.
Comment: The study set was not selected for affection status in relation to any cancer. Pathogenicity categories were based on literature curation. See Pubmed ID:23861362 for details.

Medical sequencing

Literature cited by the submitters: PubMed 30847666 (cited by 3 submitters); PubMed 31539150 (cited by 3 submitters); PubMed 23861362 (cited by 3 submitters); PubMed 38813989 (cited by Athena Diagnostics and Women's Health and Genetics/Laboratory Corporation of America, LabCorp).